The following is an entry in ClinVar:

ClinVar aggregate classification (germline): Uncertain significance (1 of 4 stars; one submission).

Conditions:
Ullrich congenital muscular dystrophy 2 (UCMD2). Identifiers: Orphanet 75840, MedGen C4225314, MONDO:0014654, OMIM 616470.
Bethlem myopathy 2 (BTHLM2). Identifiers: Orphanet 536516, Orphanet 610, MedGen C4225313, MONDO:0034022, OMIM 616471.

Allele frequency attached by ClinVar (database versions not stated): gnomAD exomes below 0.00001.
gnomAD v4.1: 1 of 1,614,170 alleles (0.000062%); highest among the groups gnomAD compares: Non-Finnish European, 0.000085%; no homozygotes.

Submission:

Labcorp Genetics (formerly Invitae), Labcorp
Classification: Uncertain significance for Bethlem myopathy 2; Ullrich congenital muscular dystrophy 2. Last evaluated: 2026-01-22. Review status: criteria provided, single submitter. Criteria: Invitae Variant Classification Sherloc (09022015). Collection method: clinical testing. Allele origin: germline.
Comment: This sequence change replaces valine, which is neutral and non-polar, with glycine, which is neutral and non-polar, at codon 1952 of the COL12A1 protein (p.Val1952Gly). This variant is not present in population databases (gnomAD no frequency). This variant has not been reported in the literature in individuals affected with COL12A1-related conditions. ClinVar contains an entry for this variant (Variation ID: 1015304). Invitae Evidence Modeling of protein sequence and biophysical properties (such as structural, functional, and spatial information, amino acid conservation, physicochemical variation, residue mobility, and thermodynamic stability) has been performed for this missense variant. However, the output from this modeling did not meet the statistical confidence thresholds required to predict the impact of this variant on COL12A1 protein function. In summary, the available evidence is currently insufficient to determine the role of this variant in disease. Therefore, it has been classified as a Variant of Uncertain Significance.

NM_004370.6(COL12A1):c.5855T>G (p.Val1952Gly)

Gene: COL12A1 (collagen type XII alpha 1 chain; minus strand). Cytogenetic location: 6q13.
Variant type: single nucleotide variant.
Coding change: c.5855T>G on transcript NM_004370.6 (MANE Select); coding-DNA position 5855, T replaced by G.
Protein change: p.Val1952Gly; replaces valine 1952 with glycine.
Molecular consequence: missense variant.
Genome position (GRCh38, 1-based): chr6:75,132,022, A>C on the plus strand (T>G on the coding strand, the complement: COL12A1 is on the minus strand). VCF-style: chr6-75132022-A-C. GRCh37 (hg19) VCF-style: chr6-75841738-A-C.
Other names: c.2363T>G, p.Val788Gly (NM_080645.3); short protein forms V1952G, V788G.
Identifiers: ClinVar variation 1015304 (VCV001015304.7), dbSNP rs1766324604, ClinGen allele CA364732965.